The following is an entry in ClinVar:

ClinVar aggregate classification (germline): Uncertain significance (1 of 4 stars; one submission).

gnomAD v4.1: 2 of 1,613,622 alleles (0.00012%); highest among the groups gnomAD compares: Non-Finnish European, 0.00017%; no homozygotes.

Submission:

Women's Health and Genetics/Laboratory Corporation of America, LabCorp
Classification: Uncertain significance. Last evaluated: 2024-08-28. Review status: criteria provided, single submitter. Criteria: LabCorp Variant Classification Summary - May 2015. Collection method: clinical testing. Allele origin: germline.
Comment: Variant summary: COL3A1 c.995C>T (p.Pro332Leu) results in a non-conservative amino acid change in the encoded protein sequence. Four of five in-silico tools predict a damaging effect of the variant on protein function. The variant was absent in 251414 control chromosomes. The available data on variant occurrences in the general population are insufficient to allow any conclusion about variant significance. To our knowledge, no occurrence of c.995C>T in individuals affected with COL3A1-related conditions and no experimental evidence demonstrating its impact on protein function have been reported. No submitters have cited clinical-significance assessments for this variant to ClinVar. Based on the evidence outlined above, the variant was classified as uncertain significance.

NM_000090.4(COL3A1):c.995C>T (p.Pro332Leu)

Gene: COL3A1 (collagen type III alpha 1 chain; plus strand). Cytogenetic location: 2q32.2.
Variant type: single nucleotide variant.
Coding change: c.995C>T on transcript NM_000090.4 (MANE Select); coding-DNA position 995, C replaced by T.
Protein change: p.Pro332Leu; replaces proline 332 with leucine.
Molecular consequence: missense variant.
Genome position (GRCh38, 1-based): chr2:188,992,227, C>T. VCF-style: chr2-188992227-C-T. GRCh37 (hg19) VCF-style: chr2-189856953-C-T.
Other names: short protein forms P332L.
Identifiers: ClinVar variation 3366508 (VCV003366508.1).